The following is an entry in ClinVar:

ClinVar aggregate classification (germline): Uncertain significance. Review status: reviewed by expert panel (3 of 4 stars). 2 submissions from 2 submitters: Uncertain significance (1). 1 of the submissions does not count toward it. Last evaluated 2024-09-30.

Conditions:
Hereditary thrombocytopenia and hematological cancer predisposition syndrome associated with RUNX1. Also called: Familial Platelet Disorder with Propensity to Acute Myelogenous Leukemia; Familial thrombocytopenia with propensity to acute myelogenous leukemia; PLATELET DISORDER, ASPIRIN-LIKE; RUNX1 Familial Platelet Disorder with Associated Myeloid Malignancies. Identifiers: Orphanet 71290, MedGen C1832388, MeSH C563324, MONDO:0100083, OMIM 601399.
Hereditary thrombocytopenia and hematologic cancer predisposition syndrome. Identifiers: Orphanet 71290, MedGen CN281654, MONDO:0011071.

Submissions (2):

ClinGen Myeloid Malignancy Variant Curation Expert Panel
Classification: Uncertain significance for Hereditary thrombocytopenia and hematologic cancer predisposition syndrome. Last evaluated: 2024-09-30. Review status: reviewed by expert panel. Criteria: ClinGen MyeloMalig ACMG Specifications v2. Collection method: curation. Allele origin: germline. Inheritance: Autosomal dominant inheritance.
Comment: NM_001754.5(RUNX1):c.1405T>C (p.Ser469Pro) is a missense variant. This variant is completely absent from all population databases with at least 20x coverage for RUNX1 (PM2_Supporting). This missense variant has a REVEL score <0.5 (0.028)(BP4). In summary, this variant meets the criteria to be classified as a variant of uncertain significance. ACMG/AMP criteria applied, as specified by the Myeloid Malignancy Variant Curation Expert Panel for RUNX1: BP4, PM2_supporting.

Labcorp Genetics (formerly Invitae), Labcorp
Classification: Uncertain significance for Hereditary thrombocytopenia and hematological cancer predisposition syndrome associated with RUNX1. Last evaluated: 2023-08-02. Review status: criteria provided, single submitter. Criteria: Invitae Variant Classification Sherloc (09022015). Collection method: clinical testing. Allele origin: germline. Not counted in ClinVar's aggregate classification.
Comment: Algorithms developed to predict the effect of missense changes on protein structure and function output the following: SIFT: "Not Available"; PolyPhen-2: "Benign"; Align-GVGD: "Not Available". The proline amino acid residue is found in multiple mammalian species, which suggests that this missense change does not adversely affect protein function. This variant has not been reported in the literature in individuals affected with RUNX1-related conditions. In summary, the available evidence is currently insufficient to determine the role of this variant in disease. Therefore, it has been classified as a Variant of Uncertain Significance. This variant is not present in population databases (gnomAD no frequency). This sequence change replaces serine, which is neutral and polar, with proline, which is neutral and non-polar, at codon 469 of the RUNX1 protein (p.Ser469Pro).

NM_001754.5(RUNX1):c.1405T>C (p.Ser469Pro)

Gene: RUNX1 (RUNX family transcription factor 1; minus strand). Cytogenetic location: 21q22.12.
Variant type: single nucleotide variant.
Coding change: c.1405T>C on transcript NM_001754.5 (MANE Select); coding-DNA position 1405, T replaced by C.
Protein change: p.Ser469Pro; replaces serine 469 with proline.
Molecular consequence: missense variant.
Genome position (GRCh38, 1-based): chr21:34,792,173, A>G on the plus strand (T>C on the coding strand, the complement: RUNX1 is on the minus strand). VCF-style: chr21-34792173-A-G. GRCh37 (hg19) VCF-style: chr21-36164470-A-G.
Other names: NM_001754.5(RUNX1):c.1405T>C; p.Ser469Pro; c.1324T>C, p.Ser442Pro (NM_001001890.3); short protein forms S442P, S469P.
Identifiers: ClinVar variation 2749609 (VCV002749609.4), dbSNP rs2145872135, ClinGen allele CA410146757.
Genomic context (GRCh38, chr21:34,792,173, plus strand): 5'-CAGCCGGGCCAGGCCTGGCGCCTCAGTAGGGCCTCCACACGGCCTCCTCCAGGCGCGCGG[A>G]GGGCGCCATGTTGGTGGGGGAGTTGCTGTGGCTGCCCTCGGCCTCCACCACGTCGCTCTG-3'
Protein context (NP_001745.2, residues 459-479): HSNSPTNMAP[Ser469Pro]ARLEEAVWRP